The following is an entry in ClinVar:

NM_007194.4(CHEK2):c.1070C>T (p.Ser357Phe)

Gene: CHEK2 (checkpoint kinase 2; minus strand). Cytogenetic location: 22q12.1.
Variant type: single nucleotide variant.
Coding change: c.1070C>T on transcript NM_007194.4 (MANE Select); coding-DNA position 1070, C replaced by T.
Protein change: p.Ser357Phe; replaces serine 357 with phenylalanine.
Molecular consequence: missense variant. On other transcripts: intron variant (3).
Genome position (GRCh38, 1-based): chr22:28,696,926, G>A on the plus strand (C>T on the coding strand, the complement: CHEK2 is on the minus strand). VCF-style: chr22-28696926-G-A. GRCh37 (hg19) VCF-style: chr22-29092914-G-A.
Other names: c.1199C>T, p.Ser400Phe (NM_001005735.3); c.407C>T, p.Ser136Phe (NM_001257387.3, NM_001437942.1); c.869C>T, p.Ser290Phe (NM_001349956.3); c.1163C>T, p.Ser388Phe (NM_001438293.1); c.1009-1053C>T (NM_145862.3); c.1102-1053C>T (NM_001438295.1); c.1138-1053C>T (NM_001438294.1); short protein forms S357F, S136F, S400F, S290F, S388F.
Identifiers: ClinVar variation 220097 (VCV000220097.51), dbSNP rs765425451, ClinGen allele CA349406.

ClinVar aggregate classification (germline): Uncertain significance. Review status: criteria provided, multiple submitters, no conflicts (2 of 4 stars). 6 submissions from 6 submitters: Uncertain significance (6). Last evaluated 2026-01-20.

Conditions:
Hereditary cancer-predisposing syndrome. Also called: Neoplastic Syndromes, Hereditary; Hereditary Cancer Syndrome; Tumor predisposition; Hereditary neoplastic syndrome. Identifiers: Orphanet 140162, MedGen C0027672, MeSH D009386, MONDO:0015356.
Familial cancer of breast. Also called: Hereditary breast cancer; hereditary breast carcinoma; BREAST CANCER, FAMILIAL. Identifiers: Orphanet 227535, MedGen C0346153, MONDO:0016419, OMIM 114480. Disease mechanism: loss of function.

Allele frequency attached by ClinVar (database versions not stated): ExAC 0.00001; gnomAD exomes 0.00001.
gnomAD v4.1: 8 of 1,612,794 alleles (0.0005%); highest among the groups gnomAD compares: Non-Finnish European, 0.00068%; no homozygotes.

Submissions (6):

Labcorp Genetics (formerly Invitae), Labcorp
Classification: Uncertain significance for Familial cancer of breast. Last evaluated: 2026-01-20. Review status: criteria provided, single submitter. Criteria: Invitae Variant Classification Sherloc (09022015). Collection method: clinical testing. Allele origin: germline.
Comment: This sequence change replaces serine, which is neutral and polar, with phenylalanine, which is neutral and non-polar, at codon 357 of the CHEK2 protein (p.Ser357Phe). The frequency data for this variant in the population databases is considered unreliable, as metrics indicate poor data quality at this position in the gnomAD database. This missense change has been observed in individual(s) with breast cancer (PMID: 22419737). ClinVar contains an entry for this variant (Variation ID: 220097). An algorithm developed to predict the effect of missense changes on protein structure and function (PolyPhen-2) suggests that this variant is likely to be disruptive. Experimental studies are conflicting or provide insufficient evidence to determine the effect of this variant on CHEK2 function (PMID: 22006311, 22419737, 37449874). In summary, the available evidence is currently insufficient to determine the role of this variant in disease. Therefore, it has been classified as a Variant of Uncertain Significance.

GeneDx
Classification: Uncertain significance. Last evaluated: 2025-04-02. Review status: criteria provided, single submitter. Criteria: GeneDx Variant Classification Process June 2021. Collection method: clinical testing. Allele origin: germline. Affected: yes.
Comment: In silico analysis supports that this missense variant has a deleterious effect on protein structure/function; Not observed at significant frequency in large population cohorts (gnomAD); Also known as c.1199C>T p.S400F; This variant is associated with the following publications: (PMID: 22006311, 22419737, 19782031, 37449874)

Ambry Genetics
Classification: Uncertain significance for Hereditary cancer-predisposing syndrome. Last evaluated: 2025-02-27. Review status: criteria provided, single submitter. Criteria: Ambry Variant Classification Scheme 2023. Collection method: clinical testing. Allele origin: germline.
Comment: The p.S357F variant (also known as c.1070C>T), located in coding exon 9 of the CHEK2 gene, results from a C to T substitution at nucleotide position 1070. The serine at codon 357 is replaced by phenylalanine, an amino acid with highly dissimilar properties. This alteration has been evaluated using a yeast-based assay to assess in vivo CHEK2- mediated response to DNA damage. This group classified the p.S357F alteration as damaging based on in silico data in combination with evidence that the growth of the yeast strain after DNA damage was significantly poorer than that of wild-type CHEK2 and did not differ significantly from growth of the negative control (Roeb W et al. Hum. Mol. Genet. 2012 Jun;21(12):2738-44). Additionally, this variant was reported as functional in a study assessing CHEK2-complementation through quantification of KAP1 phosphorylation and CHK2 autophosphorylation in human RPE1-CHEK2-knockout cells (Stolarova L et al. Clin Cancer Res, 2023 Aug;29:3037-3050).This amino acid position is highly conserved in available vertebrate species. In addition, this alteration is predicted to be deleterious by in silico analysis. Based on the available evidence, the clinical significance of this variant remains unclear.

Color Diagnostics, LLC DBA Color Health
Classification: Uncertain significance for Hereditary cancer-predisposing syndrome. Last evaluated: 2024-09-30. Review status: criteria provided, single submitter. Criteria: ACMG Guidelines, 2015. Collection method: clinical testing. Allele origin: germline.
Comment: This missense variant replaces serine with phenylalanine at codon 357 of the CHEK2 protein. Computational prediction is inconclusive regarding the impact of this variant on protein structure and function. Functional studies in yeast have reported that this missense change impairs DNA damage repair (PMID: 22006311, 22419737). The variant has been detected in individuals affected with familial breast cancer (PMID: 22419737) and ovarian cancer (PMID: 22006311). This variant has not been identified in the general population by the Genome Aggregation Database (gnomAD). The available evidence is insufficient to determine the role of this variant in disease conclusively. Therefore, this variant is classified as a Variant of Uncertain Significance.

Baylor Genetics
Classification: Uncertain significance for Familial cancer of breast. Last evaluated: 2023-09-27. Review status: criteria provided, single submitter. Criteria: ACMG Guidelines, 2015. Collection method: clinical testing. Allele origin: unknown.

CeGaT Center for Human Genetics Tuebingen
Classification: Uncertain significance. Last evaluated: 2023-02-01. Review status: criteria provided, single submitter. Criteria: CeGaT Center For Human Genetics Tuebingen Variant Classification Criteria Version 2. Collection method: clinical testing. Allele origin: germline. Affected: yes. Observed: 1 variant allele.
Comment: CHEK2: PM2, PS3:Supporting

Literature cited by the submitters: PubMed 22419737 (cited by 3 submitters); PubMed 22006311 (cited by Labcorp Genetics (formerly Invitae), Labcorp and Color Diagnostics, LLC DBA Color Health); PubMed 37449874 (cited by Labcorp Genetics (formerly Invitae), Labcorp and Ambry Genetics).